The following is an entry in ClinVar:

NM_000093.5(COL5A1):c.5314GAG[1] (p.Glu1773del)

Genes: COL5A1 (collagen type V alpha 1 chain; plus strand), LOC101448202 (uncharacterized LOC101448202; minus strand). Cytogenetic location: 9q34.3.
Variant type: Microsatellite.
Coding change: c.5314GAG[1] on transcript NM_000093.5 (MANE Select); one copy of the 3-base unit GAG starting at c.5314; the reference has two copies in a row; one copy, 3 bases deleted.
Protein change: p.Glu1773del; deletes glutamic acid 1773.
Genome position (GRCh38, 1-based): chr9:134,835,151-134,835,153, GAG deleted; deleting any 3 consecutive bases within chr9:134,835,148-134,835,153 gives the same sequence; the position shown is the placement nearest the transcript's 3' end. VCF-style (leftmost placement, unchanged base first): chr9-134835147-CGAG-C. GRCh37 (hg19) VCF-style: chr9-137726993-CGAG-C.
Other names: c.5314GAG[1], p.Glu1773del (NM_001278074.1); short protein forms E1773del.
Identifiers: ClinVar variation 4539966 (VCV004539966.1).

ClinVar aggregate classification (germline): Uncertain significance (1 of 4 stars; one submission).

Submission:

GeneDx
Classification: Uncertain significance. Last evaluated: 2025-06-23. Review status: criteria provided, single submitter. Criteria: GeneDx Variant Classification Process June 2021. Collection method: clinical testing. Allele origin: germline. Affected: yes.
Comment: Not observed at significant frequency in large population cohorts (gnomAD); In-frame deletion of 1 amino acid in a non-repeat region; In silico analysis supports a deleterious effect on protein structure/function; Has not been previously published as pathogenic or benign to our knowledge